The following is an entry in ClinVar:

NM_014915.3(ANKRD26):c.3730G>T (p.Val1244Phe)

Gene: ANKRD26 (ankyrin repeat domain 26; minus strand). Cytogenetic location: 10p12.1.
Variant type: single nucleotide variant.
Coding change: c.3730G>T on transcript NM_014915.3 (MANE Select); coding-DNA position 3730, G replaced by T.
Protein change: p.Val1244Phe; replaces valine 1244 with phenylalanine.
Molecular consequence: missense variant.
Genome position (GRCh38, 1-based): chr10:27,033,302, C>A on the plus strand (G>T on the coding strand, the complement: ANKRD26 is on the minus strand). VCF-style: chr10-27033302-C-A. GRCh37 (hg19) VCF-style: chr10-27322231-C-A.
Other names: c.3727G>T, p.Val1243Phe (NM_001256053.2); short protein forms V1244F, V1243F.
Identifiers: ClinVar variation 2991185 (VCV002991185.3), dbSNP rs774285200, ClinGen allele CA376361056.
Genomic context (GRCh38, chr10:27,033,302, plus strand): 5'-CTAATTTCTTCTTTAAATCCTGTGTCTCATCTTCTAAATTAATACGATAACGTGACGTAA[C>A]CTCCAGTGAAGCCTCTGACATAGATTGTTTTTTTAGGGTATCAGCTAGTTCTTGTTGAAG-3'
Protein context (NP_055730.2, residues 1234-1254): KQSMSEASLE[Val1244Phe]TSRYRINLED

ClinVar aggregate classification (germline): Uncertain significance (1 of 4 stars; one submission).

Submission:

Labcorp Genetics (formerly Invitae), Labcorp
Classification: Uncertain significance. Last evaluated: 2023-12-11. Review status: criteria provided, single submitter. Criteria: Invitae Variant Classification Sherloc (09022015). Collection method: clinical testing. Allele origin: germline.
Comment: This sequence change replaces valine, which is neutral and non-polar, with phenylalanine, which is neutral and non-polar, at codon 1244 of the ANKRD26 protein (p.Val1244Phe). This variant is not present in population databases (gnomAD no frequency). This variant has not been reported in the literature in individuals affected with ANKRD26-related conditions. An algorithm developed to predict the effect of missense changes on protein structure and function (PolyPhen-2) suggests that this variant is likely to be disruptive. In summary, the available evidence is currently insufficient to determine the role of this variant in disease. Therefore, it has been classified as a Variant of Uncertain Significance.